The following is an entry in ClinVar:

ClinVar aggregate classification (germline): Benign/Likely benign. Review status: criteria provided, multiple submitters, no conflicts (2 of 4 stars). 4 submissions from 3 submitters: Benign (2); Likely benign (2). Last evaluated 2026-01-15.

Conditions:
Autosomal recessive ataxia, Beauce type. Also called: SYNE1 Deficiency; SYNE1-Related Autosomal Recessive Cerebellar Ataxia; Spinocerebellar ataxia, autosomal recessive 8; ATAXIA, RECESSIVE, OF BEAUCE. Identifiers: Orphanet 88644, MedGen C1853116, MONDO:0012549, OMIM 610743.
Emery-Dreifuss muscular dystrophy 4, autosomal dominant (EDMD4). Also called: EMERY-DREIFUSS MUSCULAR DYSTROPHY 4 WITH VARIABLE FEATURES. Identifiers: Orphanet 261, MedGen C2751807, MONDO:0013071, OMIM 612998.

Allele frequency attached by ClinVar (database versions not stated): gnomAD 0.00011 and 0.00017; gnomAD exomes 0.00018 and 0.00044; TOPMed 0.00025; ExAC 0.00048; 1000 Genomes Project 30x 0.00078; 1000 Genomes Project 0.00100.
gnomAD v4.1: 289 of 1,614,184 alleles (0.018%); highest among the groups gnomAD compares: East Asian, 0.63%; 1 homozygote.

Submissions (4):

Labcorp Genetics (formerly Invitae), Labcorp
Classification: Likely benign for Emery-Dreifuss muscular dystrophy 4, autosomal dominant; Autosomal recessive ataxia, Beauce type. Last evaluated: 2026-01-15. Review status: criteria provided, single submitter. Criteria: Invitae Variant Classification Sherloc (09022015). Collection method: clinical testing. Allele origin: germline.

Athena Diagnostics
Classification: Benign. Last evaluated: 2023-12-15. Review status: criteria provided, single submitter. Criteria: Athena Diagnostics Criteria. Collection method: clinical testing. Allele origin: unknown.

Illumina Laboratory Services, Illumina
Classification: Likely benign for Autosomal recessive ataxia, Beauce type. Last evaluated: 2018-01-13. Review status: criteria provided, single submitter. Criteria: ICSL Variant Classification Criteria 13 December 2019. Collection method: clinical testing. Allele origin: germline.
Comment: This variant was observed in the ICSL laboratory as part of a predisposition screen in an ostensibly healthy population. It had not been previously curated by ICSL or reported in the Human Gene Mutation Database (HGMD: prior to June 1st, 2018), and was therefore a candidate for classification through an automated scoring system. Utilizing variant allele frequency, disease prevalence and penetrance estimates, and inheritance mode, an automated score was calculated to assess if this variant is too frequent to cause the disease. Based on the score and internal cut-off values, a variant classified as likely benign is not then subjected to further curation. The score for this variant resulted in a classification of likely benign for this disease.

Illumina Laboratory Services, Illumina
Classification: Benign for Emery-Dreifuss muscular dystrophy 4, autosomal dominant. Last evaluated: 2018-01-13. Review status: criteria provided, single submitter. Criteria: ICSL Variant Classification Criteria 13 December 2019. Collection method: clinical testing. Allele origin: germline.
Comment: This variant was observed in the ICSL laboratory as part of a predisposition screen in an ostensibly healthy population. It had not been previously curated by ICSL or reported in the Human Gene Mutation Database (HGMD: prior to June 1st, 2018), and was therefore a candidate for classification through an automated scoring system. Utilizing variant allele frequency, disease prevalence and penetrance estimates, and inheritance mode, an automated score was calculated to assess if this variant is too frequent to cause the disease. Based on the score and internal cut-off values, a variant classified as benign is not then subjected to further curation. The score for this variant resulted in a classification of benign for this disease.

Literature cited by the submitters: PubMed 29509064 (cited by Athena Diagnostics).

NM_182961.4(SYNE1):c.10105A>G (p.Met3369Val)

Gene: SYNE1 (spectrin repeat containing nuclear envelope protein 1; minus strand). Cytogenetic location: 6q25.2.
Variant type: single nucleotide variant.
Coding change: c.10105A>G on transcript NM_182961.4 (MANE Select); coding-DNA position 10105, A replaced by G.
Protein change: p.Met3369Val; replaces methionine 3369 with valine.
Molecular consequence: missense variant.
Genome position (GRCh38, 1-based): chr6:152,364,887, T>C on the plus strand (A>G on the coding strand, the complement: SYNE1 is on the minus strand). VCF-style: chr6-152364887-T-C. GRCh37 (hg19) VCF-style: chr6-152686022-T-C.
Other names: c.10126A>G, p.Met3376Val (NM_033071.5); c.10105A>G (NM_182961.2); short protein forms M3376V, M3369V.
Identifiers: ClinVar variation 355891 (VCV000355891.15), dbSNP rs199668467, ClinGen allele CA4057077.